The following is an entry in ClinVar:

NM_139276.3(STAT3):c.155A>G (p.His52Arg)

Gene: STAT3 (signal transducer and activator of transcription 3; minus strand). Cytogenetic location: 17q21.2.
Variant type: single nucleotide variant.
Coding change: c.155A>G on transcript NM_139276.3 (MANE Select); coding-DNA position 155, A replaced by G.
Protein change: p.His52Arg; replaces histidine 52 with arginine.
Molecular consequence: missense variant.
Genome position (GRCh38, 1-based): chr17:42,346,687, T>C on the plus strand (A>G on the coding strand, the complement: STAT3 is on the minus strand). VCF-style: chr17-42346687-T-C. GRCh37 (hg19) VCF-style: chr17-40498705-T-C.
Other names: c.155A>G, p.His52Arg (NM_001369512.1, NM_001369513.1, NM_001369514.1 and 17 more transcripts); short protein forms H52R.
Identifiers: ClinVar variation 4783240 (VCV004783240.1).

ClinVar aggregate classification (germline): Uncertain significance (1 of 4 stars; one submission).

Conditions:
STAT3 gain of function. Identifiers: MedGen C4288261.
Hyper-IgE recurrent infection syndrome 1, autosomal dominant. Also called: JOB SYNDROME; Job's Syndrome; STAT3 Hyper IgE Syndrome; Hyper-IgE recurrent infection syndrome 1; HYPER-IgE SYNDROME 1, AUTOSOMAL DOMINANT, WITH RECURRENT INFECTIONS. Identifiers: Orphanet 2314, MedGen C2936739, MONDO:0007818, OMIM 147060.

Submission:

Labcorp Genetics (formerly Invitae), Labcorp
Classification: Uncertain significance for STAT3 gain of function; Hyper-IgE recurrent infection syndrome 1, autosomal dominant. Last evaluated: 2025-11-02. Review status: criteria provided, single submitter. Criteria: Invitae Variant Classification Sherloc (09022015). Collection method: clinical testing. Allele origin: germline.
Comment: This sequence change replaces histidine, which is basic and polar, with arginine, which is basic and polar, at codon 52 of the STAT3 protein (p.His52Arg). This variant is not present in population databases (gnomAD no frequency). This variant has not been reported in the literature in individuals affected with STAT3-related conditions. Invitae Evidence Modeling of protein sequence and biophysical properties (such as structural, functional, and spatial information, amino acid conservation, physicochemical variation, residue mobility, and thermodynamic stability) indicates that this missense variant is not expected to disrupt STAT3 protein function with a negative predictive value of 80%. In summary, the available evidence is currently insufficient to determine the role of this variant in disease. Therefore, it has been classified as a Variant of Uncertain Significance.